The following is an entry in ClinVar:

NM_020937.4(FANCM):c.3224C>T (p.Ser1075Phe)

Gene: FANCM (FA complementation group M; plus strand). Cytogenetic location: 14q21.2.
Variant type: single nucleotide variant.
Coding change: c.3224C>T on transcript NM_020937.4 (MANE Select); coding-DNA position 3224, C replaced by T.
Protein change: p.Ser1075Phe; replaces serine 1075 with phenylalanine.
Molecular consequence: missense variant.
Genome position (GRCh38, 1-based): chr14:45,175,978, C>T. VCF-style: chr14-45175978-C-T. GRCh37 (hg19) VCF-style: chr14-45645181-C-T.
Other names: c.3146C>T, p.Ser1049Phe (NM_001308133.2); short protein forms S1049F, S1075F.
Identifiers: ClinVar variation 2735058 (VCV002735058.4), dbSNP rs1888661185, ClinGen allele CA389600447.
Genomic context (GRCh38, chr14:45,175,978, plus strand): 5'-AATGTATAAATTATCCATCTGAAAAAAGTTGCCTTTATGATATACCTAATGATAATATTT[C>T]TGATGAGCCAAGTCTCTGTGACTGTGATGTACATAAACATAATCAAAATGAAAATTTAGT-3'
Protein context (NP_065988.1, residues 1065-1085): CLYDIPNDNI[Ser1075Phe]DEPSLCDCDV

ClinVar aggregate classification (germline): Uncertain significance. Review status: criteria provided, multiple submitters, no conflicts (2 of 4 stars). 2 submissions from 2 submitters: Uncertain significance (2). Last evaluated 2025-02-19.

Conditions:
Fanconi anemia (FA). Also called: Fanconi's anemia. Identifiers: Orphanet 84, MedGen C0015625, MeSH D005199, MONDO:0019391.

Allele frequency attached by ClinVar (database versions not stated): gnomAD exomes below 0.00001.
gnomAD v4.1: 1 of 1,613,584 alleles (0.000062%); highest among the groups gnomAD compares: Non-Finnish European, 0.000085%; no homozygotes.

Submissions (2):

Labcorp Genetics (formerly Invitae), Labcorp
Classification: Uncertain significance for Fanconi anemia. Last evaluated: 2025-02-19. Review status: criteria provided, single submitter. Criteria: Invitae Variant Classification Sherloc (09022015). Collection method: clinical testing. Allele origin: germline.
Comment: This sequence change replaces serine, which is neutral and polar, with phenylalanine, which is neutral and non-polar, at codon 1075 of the FANCM protein (p.Ser1075Phe). This variant is not present in population databases (gnomAD no frequency). This variant has not been reported in the literature in individuals affected with FANCM-related conditions. ClinVar contains an entry for this variant (Variation ID: 2735058). An algorithm developed to predict the effect of missense changes on protein structure and function outputs the following: PolyPhen-2: "Benign". The phenylalanine amino acid residue is found in multiple mammalian species, which suggests that this missense change does not adversely affect protein function. In summary, the available evidence is currently insufficient to determine the role of this variant in disease. Therefore, it has been classified as a Variant of Uncertain Significance.

GeneDx
Classification: Uncertain significance. Last evaluated: 2024-06-27. Review status: criteria provided, single submitter. Criteria: GeneDx Variant Classification Process June 2021. Collection method: clinical testing. Allele origin: germline. Affected: yes.
Comment: Not observed at significant frequency in large population cohorts (gnomAD); In silico analysis indicates that this missense variant does not alter protein structure/function; Has not been previously published as pathogenic or benign to our knowledge